The following is an entry in ClinVar:

NM_001130438.3(SPTAN1):c.3057G>A (p.Ala1019=)

Gene: SPTAN1 (spectrin alpha, non-erythrocytic 1; plus strand). Cytogenetic location: 9q34.11.
Variant type: single nucleotide variant.
Coding change: c.3057G>A on transcript NM_001130438.3 (MANE Select); coding-DNA position 3057, G replaced by A.
Protein change: p.Ala1019=; no amino-acid change (alanine 1019 retained).
Molecular consequence: synonymous variant.
Genome position (GRCh38, 1-based): chr9:128,591,527, G>A. VCF-style: chr9-128591527-G-A. GRCh37 (hg19) VCF-style: chr9-131353806-G-A.
Other names: p.A1019A:GCG>GCA; c.3057G>A, p.Ala1019= (NM_001195532.2, NM_001363759.2, NM_001363765.2 and 1 more transcripts).
Identifiers: ClinVar variation 207275 (VCV000207275.42), dbSNP rs759833805, ClinGen allele CA318590.

ClinVar aggregate classification (germline): Benign/Likely benign. Review status: criteria provided, multiple submitters, no conflicts (2 of 4 stars). 7 submissions from 7 submitters: Benign (2); Likely benign (5). Last evaluated 2026-05-13.

Conditions:
Early-infantile DEE. Also called: Ohtahara syndrome; Early infantile epileptic encephalopathy; Early infantile epileptic encephalopathy with suppression bursts. Identifiers: Orphanet 1934, MedGen C0393706, MONDO:0800491.
Inborn genetic diseases. Identifiers: MedGen C0950123, MeSH D030342.
Developmental and epileptic encephalopathy, 5 (DEE5). Identifiers: Orphanet 3451, MedGen C3150731, MONDO:0013277, OMIM 613477.

Allele frequency attached by ClinVar (database versions not stated): TOPMed 0.00006.
gnomAD v4.1: 102 of 1,614,054 alleles (0.0063%); highest among the groups gnomAD compares: Middle Eastern, 0.033%; no homozygotes.

Submissions (7):

Women's Health and Genetics/Laboratory Corporation of America, LabCorp
Classification: Likely benign. Last evaluated: 2026-05-13. Review status: criteria provided, single submitter. Criteria: LabCorp Variant Classification Summary - May 2015. Collection method: clinical testing. Allele origin: germline.

Labcorp Genetics (formerly Invitae), Labcorp
Classification: Likely benign for Early-infantile DEE. Last evaluated: 2025-12-21. Review status: criteria provided, single submitter. Criteria: Invitae Variant Classification Sherloc (09022015). Collection method: clinical testing. Allele origin: germline.

CeGaT Center for Human Genetics Tuebingen
Classification: Likely benign. Last evaluated: 2023-10-01. Review status: criteria provided, single submitter. Criteria: CeGaT Center For Human Genetics Tuebingen Variant Classification Criteria Version 2. Collection method: clinical testing. Allele origin: germline. Affected: yes. Observed: 1 variant allele.
Comment: SPTAN1: BP4, BP7

Blueprint Genetics
Classification: Likely benign. Last evaluated: 2023-03-16. Review status: criteria provided, single submitter. Criteria: ACMG Guidelines, 2015. Collection method: clinical testing. Allele origin: germline.

Genome-Nilou Lab
Classification: Benign for Developmental and epileptic encephalopathy, 5. Last evaluated: 2021-07-15. Review status: criteria provided, single submitter. Criteria: ACMG Guidelines, 2015. Collection method: clinical testing. Allele origin: germline. Affected: no.

Ambry Genetics
Classification: Likely benign for Inborn genetic diseases. Last evaluated: 2019-12-30. Review status: criteria provided, single submitter. Criteria: Ambry Variant Classification Scheme 2023. Collection method: clinical testing. Allele origin: germline.

GeneDx
Classification: Benign. Last evaluated: 2015-01-16. Review status: criteria provided, single submitter. Criteria: GeneDx Variant Classification (06012015). Collection method: clinical testing. Allele origin: germline. Affected: yes.
Comment: This variant is considered likely benign or benign based on one or more of the following criteria: it is a conservative change, it occurs at a poorly conserved position in the protein, it is predicted to be benign by multiple in silico algorithms, and/or has population frequency not consistent with disease.